The following is an entry in ClinVar:

NM_016034.5(MRPS2):c.299+7G>A

Gene: MRPS2 (mitochondrial ribosomal protein S2; plus strand). Cytogenetic location: 9q34.3.
Variant type: single nucleotide variant.
Coding change: c.299+7G>A on transcript NM_016034.5 (MANE Select); 7 bases into the intron after coding-DNA position 299, G replaced by A.
Molecular consequence: intron variant.
Genome position (GRCh38, 1-based): chr9:135,501,980, G>A. VCF-style: chr9-135501980-G-A. GRCh37 (hg19) VCF-style: chr9-138393826-G-A.
Other names: c.299+7G>A (NM_001371401.1).
Identifiers: ClinVar variation 3055007 (VCV003055007.3), dbSNP rs375714164, ClinGen allele CA5323876.
Genomic context (GRCh38, chr9:135,501,980, plus strand): 5'-AAGCCTCTTCGATGCCCGAGTCCATCTGGGACACAAAGCTGGCTGTCGGCACAGGTAGGT[G>A]ACACCCCCATCTGAGCCCGGGGCGGTTCCCAGGAGGAACCTGGGACCTGCTCTGGTTCTA-3'

ClinVar aggregate classification (germline): Likely benign. Review status: criteria provided, single submitter (1 of 4 stars). 2 submissions from 2 submitters: Likely benign (1). 1 of the submissions does not count toward it. Last evaluated 2025-10-08.

Conditions:
MRPS2-related disorder. Also called: MRPS2-related condition.

Allele frequency attached by ClinVar (database versions not stated): gnomAD 0.00001; TOPMed 0.00001; gnomAD exomes 0.00003; ExAC 0.00007; ESP Exome Variant Server 0.00008.
gnomAD v4.1: 52 of 1,613,154 alleles (0.0032%); highest among the groups gnomAD compares: Middle Eastern, 0.15%; 1 homozygote.

Submissions (2):

Labcorp Genetics (formerly Invitae), Labcorp
Classification: Likely benign. Last evaluated: 2025-10-08. Review status: criteria provided, single submitter. Criteria: Invitae Variant Classification Sherloc (09022015). Collection method: clinical testing. Allele origin: germline.

PreventionGenetics, part of Exact Sciences
Classification: Likely benign for MRPS2-related condition. Last evaluated: 2021-03-09. Review status: no assertion criteria provided. Collection method: clinical testing. Allele origin: germline. Not counted in ClinVar's aggregate classification.
Comment: This variant is classified as likely benign based on ACMG/AMP sequence variant interpretation guidelines (Richards et al. 2015 PMID: 25741868, with internal and published modifications).